The following is an entry in ClinVar:

NM_000083.3(CLCN1):c.1167-2A>C

Gene: CLCN1 (chloride voltage-gated channel 1; plus strand). Cytogenetic location: 7q34.
Variant type: single nucleotide variant.
Coding change: c.1167-2A>C on transcript NM_000083.3 (MANE Select); the canonical splice acceptor site of the intron before coding-DNA position 1167, A replaced by C.
Molecular consequence: splice acceptor variant.
Genome position (GRCh38, 1-based): chr7:143,332,417, A>C. VCF-style: chr7-143332417-A-C. GRCh37 (hg19) VCF-style: chr7-143029510-A-C.
Identifiers: ClinVar variation 4786553 (VCV004786553.1).

ClinVar aggregate classification (germline): Likely pathogenic (1 of 4 stars; one submission).

Conditions:
Congenital myotonia, autosomal dominant form (THD). Also called: THOMSEN DISEASE; Myotonia congenita autosomal dominant. Identifiers: Orphanet 614, MedGen C2936781, MONDO:0008055, OMIM 160800.
Congenital myotonia, autosomal recessive form. Also called: BECKER DISEASE; Becker Generalized Myotonia; myotonia congenita, autosomal recessive. Identifiers: Orphanet 614, MedGen C0751360, MONDO:0009715, OMIM 255700.

Submission:

Labcorp Genetics (formerly Invitae), Labcorp
Classification: Likely pathogenic for Congenital myotonia, autosomal recessive form; Congenital myotonia, autosomal dominant form. Last evaluated: 2025-10-28. Review status: criteria provided, single submitter. Criteria: Invitae Variant Classification Sherloc (09022015). Collection method: clinical testing. Allele origin: germline.
Comment: This sequence change affects an acceptor splice site in intron 10 of the CLCN1 gene. It is expected to disrupt RNA splicing. Variants that disrupt the donor or acceptor splice site typically lead to a loss of protein function (PMID: 16199547), and loss-of-function variants in CLCN1 are known to be pathogenic (PMID: 17932099, 22094069, 23739125). This variant is not present in population databases (gnomAD no frequency). This variant has not been reported in the literature in individuals affected with CLCN1-related conditions. Algorithms developed to predict the effect of sequence changes on RNA splicing suggest that this variant may disrupt the consensus splice site. In summary, the currently available evidence indicates that the variant is pathogenic, but additional data are needed to prove that conclusively. Therefore, this variant has been classified as Likely Pathogenic.

Literature cited by the submitters: PubMed 16199547; PubMed 17932099; PubMed 22094069; PubMed 23739125.